The following is an entry in ClinVar:

NM_032444.4(SLX4):c.2854G>A (p.Ala952Thr)

Gene: SLX4 (SLX4 structure-specific endonuclease subunit; minus strand). Cytogenetic location: 16p13.3.
Variant type: single nucleotide variant.
Coding change: c.2854G>A on transcript NM_032444.4 (MANE Select); coding-DNA position 2854, G replaced by A.
Protein change: p.Ala952Thr; replaces alanine 952 with threonine.
Molecular consequence: missense variant.
Genome position (GRCh38, 1-based): chr16:3,590,784, C>T on the plus strand (G>A on the coding strand, the complement: SLX4 is on the minus strand). VCF-style: chr16-3590784-C-T. GRCh37 (hg19) VCF-style: chr16-3640785-C-T.
Other names: p.Ala952Thr; c.2854G>A (NM_032444.3, LRG_503t1); short protein forms A952T.
Identifiers: ClinVar variation 262044 (VCV000262044.31), dbSNP rs59939128, ClinGen allele CA7866053.

ClinVar aggregate classification (germline): Benign/Likely benign. Review status: criteria provided, multiple submitters, no conflicts (2 of 4 stars). 9 submissions from 9 submitters: Benign (8); Likely benign (1). Last evaluated 2026-02-04.

Conditions:
Fanconi anemia (FA). Also called: Fanconi's anemia. Identifiers: Orphanet 84, MedGen C0015625, MeSH D005199, MONDO:0019391.
Fanconi anemia complementation group P. Also called: SLX4-Related Fanconi Anemia. Identifiers: Orphanet 84, MedGen C3469542, MONDO:0013499, OMIM 613951.

Allele frequency attached by ClinVar (database versions not stated): gnomAD exomes 0.06417 and 0.06520; 1000 Genomes Project 0.06709; ExAC 0.06725; 1000 Genomes Project 30x 0.07011; gnomAD 0.07700 and 0.07918; TOPMed 0.07871; ESP Exome Variant Server 0.07988.

Submissions (9):

Labcorp Genetics (formerly Invitae), Labcorp
Classification: Benign for Fanconi anemia. Last evaluated: 2026-02-04. Review status: criteria provided, single submitter. Criteria: Invitae Variant Classification Sherloc (09022015). Collection method: clinical testing. Allele origin: germline.

Mayo Clinic Laboratories, Mayo Clinic
Classification: Benign. Last evaluated: 2025-09-15. Review status: criteria provided, single submitter. Criteria: ACMG Guidelines, 2015. Collection method: clinical testing. Allele origin: germline. Observed: 2 variant alleles.

ARUP Laboratories, Molecular Genetics and Genomics, ARUP Laboratories
Classification: Benign for Fanconi anemia complementation group P. Last evaluated: 2025-07-02. Review status: criteria provided, single submitter. Criteria: ARUP Molecular Germline Variant Investigation Process 2024. Collection method: clinical testing. Allele origin: germline.

Blueprint Genetics
Classification: Likely benign. Last evaluated: 2024-11-27. Review status: criteria provided, single submitter. Criteria: ACMG Guidelines, 2015. Collection method: clinical testing. Allele origin: germline.

KCCC/NGS Laboratory, Kuwait Cancer Control Center
Classification: Benign for Fanconi anemia complementation group P. Last evaluated: 2023-07-07. Review status: criteria provided, single submitter. Criteria: ACMG Guidelines, 2015. Collection method: clinical testing. Allele origin: germline. Affected: yes.

GeneDx
Classification: Benign. Last evaluated: 2019-02-24. Review status: criteria provided, single submitter. Criteria: GeneDx Variant Classification Process June 2021. Collection method: clinical testing. Allele origin: germline. Affected: yes.

Illumina Laboratory Services, Illumina
Classification: Benign for Fanconi anemia complementation group P. Last evaluated: 2018-01-13. Review status: criteria provided, single submitter. Criteria: ICSL Variant Classification Criteria 13 December 2019. Collection method: clinical testing. Allele origin: germline.
Comment: This variant was observed in the ICSL laboratory as part of a predisposition screen in an ostensibly healthy population. It had not been previously curated by ICSL or reported in the Human Gene Mutation Database (HGMD: prior to June 1st, 2018), and was therefore a candidate for classification through an automated scoring system. Utilizing variant allele frequency, disease prevalence and penetrance estimates, and inheritance mode, an automated score was calculated to assess if this variant is too frequent to cause the disease. Based on the score and internal cut-off values, a variant classified as benign is not then subjected to further curation. The score for this variant resulted in a classification of benign for this disease.

Breakthrough Genomics
Classification: Benign. Review status: criteria provided, single submitter. Criteria: ACMG Guidelines, 2015. Collection method: not provided. Allele origin: germline. Inheritance: Autosomal recessive inheritance. Affected: yes.

PreventionGenetics, part of Exact Sciences
Classification: Benign. Review status: criteria provided, single submitter. Criteria: ACMG Guidelines, 2015. Collection method: clinical testing. Allele origin: germline.